The following is an entry in ClinVar:

NM_001430.5(EPAS1):c.1314G>C (p.Trp438Cys)

Gene: EPAS1 (endothelial PAS domain protein 1; plus strand). Cytogenetic location: 2p21.
Variant type: single nucleotide variant.
Coding change: c.1314G>C on transcript NM_001430.5 (MANE Select); coding-DNA position 1314, G replaced by C.
Protein change: p.Trp438Cys; replaces tryptophan 438 with cysteine.
Molecular consequence: missense variant.
Genome position (GRCh38, 1-based): chr2:46,377,958, G>C. VCF-style: chr2-46377958-G-C. GRCh37 (hg19) VCF-style: chr2-46605097-G-C.
Other names: short protein forms W438C.
Identifiers: ClinVar variation 3221537 (VCV003221537.1), dbSNP rs2546473490, ClinGen allele CA346703781.

ClinVar aggregate classification (germline): Uncertain significance (1 of 4 stars; one submission).

Conditions:
Inborn genetic diseases. Identifiers: MedGen C0950123, MeSH D030342.

Submission:

Ambry Genetics
Classification: Uncertain significance for Inborn genetic diseases. Last evaluated: 2024-01-12. Review status: criteria provided, single submitter. Criteria: Ambry Variant Classification Scheme 2023. Collection method: clinical testing. Allele origin: germline.
Comment: The p.W438C variant (also known as c.1314G>C), located in coding exon 10 of the EPAS1 gene, results from a G to C substitution at nucleotide position 1314. The tryptophan at codon 438 is replaced by cysteine, an amino acid with highly dissimilar properties. This amino acid position is conserved. In addition, this alteration is predicted to be deleterious by in silico analysis. Since supporting evidence is limited at this time, the clinical significance of this alteration remains unclear.